The following is an entry in ClinVar:

NM_006766.5(KAT6A):c.1897T>C (p.Ser633Pro)

Gene: KAT6A (lysine acetyltransferase 6A; minus strand). Cytogenetic location: 8p11.21.
Variant type: single nucleotide variant.
Coding change: c.1897T>C on transcript NM_006766.5 (MANE Select); coding-DNA position 1897, T replaced by C.
Protein change: p.Ser633Pro; replaces serine 633 with proline.
Molecular consequence: missense variant.
Genome position (GRCh38, 1-based): chr8:41,947,756, A>G on the plus strand (T>C on the coding strand, the complement: KAT6A is on the minus strand). VCF-style: chr8-41947756-A-G. GRCh37 (hg19) VCF-style: chr8-41805274-A-G.
Other names: c.1897T>C, p.Ser633Pro (NM_001305878.2); short protein forms S633P.
Identifiers: ClinVar variation 4531010 (VCV004531010.1).

ClinVar aggregate classification (germline): Uncertain significance (1 of 4 stars; one submission).

Submission:

GeneDx
Classification: Uncertain significance. Last evaluated: 2025-05-20. Review status: criteria provided, single submitter. Criteria: GeneDx Variant Classification Process June 2021. Collection method: clinical testing. Allele origin: germline. Affected: yes.
Comment: Not observed at significant frequency in large population cohorts (gnomAD); In silico analysis supports that this missense variant has a deleterious effect on protein structure/function; Has not been previously published as pathogenic or benign to our knowledge